The following is an entry in ClinVar:

NM_001365951.3(KIF1B):c.5293C>G (p.Pro1765Ala)

Gene: KIF1B (kinesin family member 1B; plus strand). Cytogenetic location: 1p36.22.
Variant type: single nucleotide variant.
Coding change: c.5293C>G on transcript NM_001365951.3 (MANE Select); coding-DNA position 5293, C replaced by G.
Protein change: p.Pro1765Ala; replaces proline 1765 with alanine.
Molecular consequence: missense variant.
Genome position (GRCh38, 1-based): chr1:10,375,258, C>G. VCF-style: chr1-10375258-C-G. GRCh37 (hg19) VCF-style: chr1-10435316-C-G.
Other names: c.5293C>G, p.Pro1765Ala (NM_001365952.1); c.5155C>G, p.Pro1719Ala (NM_015074.3); short protein forms P1719A, P1765A.
Identifiers: ClinVar variation 2991702 (VCV002991702.3), dbSNP rs2521985987, ClinGen allele CA338331580.
Genomic context (GRCh38, chr1:10,375,258, plus strand): 5'-CAGTCCCCATTGCTGTCTCTGTAGTAACTTTCTTGTCTACCTGCATTTTTCTTTCAGACA[C>G]CAAACACCTTTGCTGTCTGCACAAAGCACCGTGGGGTCCTTTTGCAGGCCCTCAATGACA-3'
Protein context (NP_001352880.1, residues 1755-1775): SEDQQAMVKT[Pro1765Ala]NTFAVCTKHR

ClinVar aggregate classification (germline): Uncertain significance (1 of 4 stars; one submission).

Conditions:
Charcot-Marie-Tooth disease type 2. Also called: Charcot-Marie-Tooth type 2. Identifiers: Orphanet 64746, MedGen C0270914, MONDO:0018993.

Submission:

Labcorp Genetics (formerly Invitae), Labcorp
Classification: Uncertain significance for Charcot-Marie-Tooth disease type 2. Last evaluated: 2024-01-17. Review status: criteria provided, single submitter. Criteria: Invitae Variant Classification Sherloc (09022015). Collection method: clinical testing. Allele origin: germline.
Comment: This sequence change replaces proline, which is neutral and non-polar, with alanine, which is neutral and non-polar, at codon 1719 of the KIF1B protein (p.Pro1719Ala). This variant is not present in population databases (gnomAD no frequency). This variant has not been reported in the literature in individuals affected with KIF1B-related conditions. An algorithm developed to predict the effect of missense changes on protein structure and function (PolyPhen-2) suggests that this variant is likely to be tolerated. In summary, the available evidence is currently insufficient to determine the role of this variant in disease. Therefore, it has been classified as a Variant of Uncertain Significance.